The following is an entry in ClinVar:

NM_004393.6(DAG1):c.5G>A (p.Arg2Lys)

Gene: DAG1 (dystroglycan 1; plus strand). Cytogenetic location: 3p21.31.
Variant type: single nucleotide variant.
Coding change: c.5G>A on transcript NM_004393.6 (MANE Select); coding-DNA position 5, G replaced by A.
Protein change: p.Arg2Lys; replaces arginine 2 with lysine.
Molecular consequence: missense variant.
Genome position (GRCh38, 1-based): chr3:49,510,539, G>A. VCF-style: chr3-49510539-G-A. GRCh37 (hg19) VCF-style: chr3-49547972-G-A.
Other names: c.5G>A, p.Arg2Lys (NM_001165928.4, NM_001177634.3, NM_001177635.3 and 9 more transcripts); short protein forms R2K.
Identifiers: ClinVar variation 2942755 (VCV002942755.3), dbSNP rs781269339, ClinGen allele CA352799886.
Genomic context (GRCh38, chr3:49,510,539, plus strand): 5'-AGTCACTTGCTTCCTTACTTAGCAAGACTATCGACTTGAGCAAACTTGGACCTGGGATGA[G>A]GATGTCTGTGGGCCTCTCGCTGCTGCTGCCCCTCTCGGGGAGGACCTTTCTCCTCCTGCT-3'
Protein context (NP_004384.5, residues 1-12): M[Arg2Lys]MSVGLSLLLP

ClinVar aggregate classification (germline): Uncertain significance (1 of 4 stars; one submission).

Conditions:
Muscular dystrophy-dystroglycanopathy (congenital with brain and eye anomalies), type A9. Also called: WALKER-WARBURG SYNDROME OR MUSCLE-EYE BRAIN DISEASE, DAG1-RELATED; Muscular dystrophy-dystroglycanopathy (congenital with brain and eye anomalies), type a, 9. Identifiers: Orphanet 370997, Orphanet 899, MedGen C4225291, MONDO:0014683, OMIM 616538.
Autosomal recessive limb-girdle muscular dystrophy type 2P. Also called: MUSCULAR DYSTROPHY-DYSTROGLYCANOPATHY, LIMB-GIRDLE, DAG1-RELATED; Limb-Girdle Muscular Dystrophy Type 9C; MUSCULAR DYSTROPHY, LIMB-GIRDLE, TYPE 2P. Identifiers: Orphanet 280333, MedGen C4511963, MONDO:0013440, OMIM 613818.

gnomAD v4.1: 1 of 1,613,178 alleles (0.000062%); highest among the groups gnomAD compares: Non-Finnish European, 0.000085%; no homozygotes.

Submission:

Labcorp Genetics (formerly Invitae), Labcorp
Classification: Uncertain significance for Autosomal recessive limb-girdle muscular dystrophy type 2P; Muscular dystrophy-dystroglycanopathy (congenital with brain and eye anomalies), type A9. Last evaluated: 2023-12-28. Review status: criteria provided, single submitter. Criteria: Invitae Variant Classification Sherloc (09022015). Collection method: clinical testing. Allele origin: germline.
Comment: This sequence change replaces arginine, which is basic and polar, with lysine, which is basic and polar, at codon 2 of the DAG1 protein (p.Arg2Lys). This variant is not present in population databases (gnomAD no frequency). This variant has not been reported in the literature in individuals affected with DAG1-related conditions. An algorithm developed to predict the effect of missense changes on protein structure and function (PolyPhen-2) suggests that this variant is likely to be tolerated. In summary, the available evidence is currently insufficient to determine the role of this variant in disease. Therefore, it has been classified as a Variant of Uncertain Significance.